The following is an entry in ClinVar:

ClinVar aggregate classification (germline): Uncertain significance (1 of 4 stars; one submission).

Conditions:
Werner syndrome (WRN). Identifiers: Orphanet 902, MedGen C0043119, MONDO:0010196, OMIM 277700.

Allele frequency attached by ClinVar (database versions not stated): gnomAD exomes below 0.00001; ExAC 0.00001; gnomAD 0.00001; TOPMed 0.00003.
gnomAD v4.1: 5 of 1,613,122 alleles (0.00031%); highest among the groups gnomAD compares: African/African-American, 0.0027%; no homozygotes.

Submission:

Labcorp Genetics (formerly Invitae), Labcorp
Classification: Uncertain significance for Werner syndrome. Last evaluated: 2023-10-18. Review status: criteria provided, single submitter. Criteria: Invitae Variant Classification Sherloc (09022015). Collection method: clinical testing. Allele origin: germline.
Comment: This sequence change replaces asparagine, which is neutral and polar, with serine, which is neutral and polar, at codon 613 of the WRN protein (p.Asn613Ser). This variant is present in population databases (rs754443271, gnomAD 0.007%). This variant has not been reported in the literature in individuals affected with WRN-related conditions. ClinVar contains an entry for this variant (Variation ID: 948532). Algorithms developed to predict the effect of missense changes on protein structure and function output the following: SIFT: "Not Available"; PolyPhen-2: "Possibly Damaging"; Align-GVGD: "Not Available". The serine amino acid residue is found in multiple mammalian species, which suggests that this missense change does not adversely affect protein function. In summary, the available evidence is currently insufficient to determine the role of this variant in disease. Therefore, it has been classified as a Variant of Uncertain Significance.

NM_000553.6(WRN):c.1838A>G (p.Asn613Ser)

Gene: WRN (WRN RecQ like helicase; plus strand). Cytogenetic location: 8p12.
Variant type: single nucleotide variant.
Coding change: c.1838A>G on transcript NM_000553.6 (MANE Select); coding-DNA position 1838, A replaced by G.
Protein change: p.Asn613Ser; replaces asparagine 613 with serine.
Molecular consequence: missense variant.
Genome position (GRCh38, 1-based): chr8:31,091,838, A>G. VCF-style: chr8-31091838-A-G. GRCh37 (hg19) VCF-style: chr8-30949354-A-G.
Other names: short protein forms N613S.
Identifiers: ClinVar variation 948532 (VCV000948532.6), dbSNP rs754443271, ClinGen allele CA4704513.